The following is an entry in ClinVar:

NM_005751.5(AKAP9):c.4784T>A (p.Val1595Glu)

Gene: AKAP9 (A-kinase anchoring protein 9; plus strand). Cytogenetic location: 7q21.2.
Variant type: single nucleotide variant.
Coding change: c.4784T>A on transcript NM_005751.5 (MANE Select); coding-DNA position 4784, T replaced by A.
Protein change: p.Val1595Glu; replaces valine 1595 with glutamic acid.
Molecular consequence: missense variant.
Genome position (GRCh38, 1-based): chr7:92,040,765, T>A. VCF-style: chr7-92040765-T-A. GRCh37 (hg19) VCF-style: chr7-91670079-T-A.
Other names: c.4784T>A, p.Val1595Glu (NM_147185.3); short protein forms V1595E.
Identifiers: ClinVar variation 4869099 (VCV004869099.1).

ClinVar aggregate classification (germline): Uncertain significance (1 of 4 stars; one submission).

Conditions:
Cardiovascular phenotype. Identifiers: MedGen CN230736.

gnomAD v4.1: 2 of 1,613,926 alleles (0.00012%); highest among the groups gnomAD compares: Non-Finnish European, 0.00017%; no homozygotes.

Submission:

Ambry Genetics
Classification: Uncertain significance for Cardiovascular phenotype. Last evaluated: 2026-05-23. Review status: criteria provided, single submitter. Criteria: Ambry Variant Classification Scheme 2023. Collection method: clinical testing. Allele origin: germline.
Comment: The p.V1595E variant (also known as c.4784T>A), located in coding exon 18 of the AKAP9 gene, results from a T to A substitution at nucleotide position 4784. The valine at codon 1595 is replaced by glutamic acid, an amino acid with dissimilar properties. This amino acid position is conserved. In addition, the in silico prediction for this alteration is inconclusive. Based on the available evidence, the clinical significance of this variant remains unclear.